The following is an entry in ClinVar:

ClinVar aggregate classification (germline): Benign. Review status: criteria provided, multiple submitters, no conflicts (2 of 4 stars). 3 submissions from 3 submitters: Benign (3). Last evaluated 2020-02-18.

Conditions:
Episodic ataxia type 6. Identifiers: Orphanet 209967, MedGen C2675211, MONDO:0012982, OMIM 612656.

Allele frequency attached by ClinVar (database versions not stated): gnomAD exomes 0.26894; 1000 Genomes Project 0.35044; gnomAD 0.35100 and 0.35699; 1000 Genomes Project 30x 0.35837; TOPMed 0.35857.
gnomAD v4.1: 70,350 of 215,268 alleles (33%); highest among the groups gnomAD compares: African/African-American, 42%; 12,234 homozygotes.

Submissions (3):

GeneDx
Classification: Benign. Last evaluated: 2020-02-18. Review status: criteria provided, single submitter. Criteria: GeneDx Variant Classification Process June 2021. Collection method: clinical testing. Allele origin: germline. Affected: yes.
Comment: This variant is associated with the following publications: (PMID: 30953407)

Illumina Laboratory Services, Illumina
Classification: Benign for Episodic ataxia type 6. Last evaluated: 2018-01-13. Review status: criteria provided, single submitter. Criteria: ICSL Variant Classification Criteria 13 December 2019. Collection method: clinical testing. Allele origin: germline.
Comment: This variant was observed in the ICSL laboratory as part of a predisposition screen in an ostensibly healthy population. It had not been previously curated by ICSL or reported in the Human Gene Mutation Database (HGMD: prior to June 1st, 2018), and was therefore a candidate for classification through an automated scoring system. Utilizing variant allele frequency, disease prevalence and penetrance estimates, and inheritance mode, an automated score was calculated to assess if this variant is too frequent to cause the disease. Based on the score and internal cut-off values, a variant classified as benign is not then subjected to further curation. The score for this variant resulted in a classification of benign for this disease.

Breakthrough Genomics
Classification: Benign. Review status: criteria provided, single submitter. Criteria: ACMG Guidelines, 2015. Collection method: not provided. Allele origin: germline. Inheritance: Autosomal dominant inheritance. Affected: yes.

NM_004172.5(SLC1A3):c.*515A>C

Genes: SLC1A3-AS1 (SLC1A3 antisense RNA 1; minus strand), SLC1A3 (solute carrier family 1 member 3; plus strand). Cytogenetic location: 5p13.2.
Variant type: single nucleotide variant.
Coding change: c.*515A>C on transcript NM_004172.5 (MANE Select); 515 bases downstream of the stop codon, A replaced by C.
Molecular consequence: 3 prime UTR variant.
Genome position (GRCh38, 1-based): chr5:36,686,784, A>C. VCF-style: chr5-36686784-A-C. GRCh37 (hg19) VCF-style: chr5-36686886-A-C.
Other names: c.*515A>C (NM_001166695.3, NM_001289939.2, NM_001289940.2).
Identifiers: ClinVar variation 353336 (VCV000353336.7), dbSNP rs1049522, ClinGen allele CA10621692.